The following is an entry in ClinVar:

NC_000022.10:g.(?_51063563)_(51066217_?)del

Gene: ARSA (arylsulfatase A; minus strand). Cytogenetic location: 22q13.33.
Variant type: Deletion.
Identifiers: ClinVar variation 1072391 (VCV001072391.1).

ClinVar aggregate classification (germline): Pathogenic (1 of 4 stars; one submission).

Conditions:
Metachromatic leukodystrophy (MLD). Also called: Cerebral sclerosis diffuse metachromatic form; METACHROMATIC LEUKOENCEPHALOPATHY; Arylsulfatase A Deficiency; SULFATIDE LIPIDOSIS; ARSA DEFICIENCY; CEREBROSIDE SULFATASE DEFICIENCY. Identifiers: Orphanet 512, MedGen C0023522, MONDO:0018868, OMIM 250100.

Submission:

Labcorp Genetics (formerly Invitae), Labcorp
Classification: Pathogenic for Metachromatic leukodystrophy. Last evaluated: 2020-09-15. Review status: criteria provided, single submitter. Criteria: Invitae Variant Classification Sherloc (09022015). Collection method: clinical testing. Allele origin: germline.
Comment: A gross deletion of the genomic region encompassing the full coding sequence of the ARSA gene has been identified. The boundaries of this event are unknown as the deletion extends beyond the assayed region for this gene and therefore may encompass additional genes. A similar variant has been observed in combination with another ARSA variant in individuals affected with metachromatic leukodystrophy (PMID: 30057904, 15211666). Loss-of-function variants in ARSA are known to be pathogenic (PMID: 8962139, 10477432). For these reasons, this variant has been classified as Pathogenic.

Literature cited by the submitters: PubMed 30057904; PubMed 15211666; PubMed 8962139; PubMed 10477432.